The following is an entry in ClinVar:

NM_004646.4(NPHS1):c.155G>A (p.Arg52His)

Genes: KIRREL2 (kirre like nephrin family adhesion molecule 2; plus strand), NPHS1 (NPHS1 adhesion molecule, nephrin; minus strand). Cytogenetic location: 19q13.12.
Variant type: single nucleotide variant.
Coding change: c.155G>A on transcript NM_004646.4 (MANE Select); coding-DNA position 155, G replaced by A.
Protein change: p.Arg52His; replaces arginine 52 with histidine.
Molecular consequence: missense variant.
Genome position (GRCh38, 1-based): chr19:35,851,576, C>T on the plus strand (G>A on the coding strand, the complement: NPHS1 is on the minus strand). VCF-style: chr19-35851576-C-T. GRCh37 (hg19) VCF-style: chr19-36342478-C-T.
Other names: p.Arg52His; short protein forms R52H.
Identifiers: ClinVar variation 2183699 (VCV002183699.5), dbSNP rs771076402, ClinGen allele CA9390894.

ClinVar aggregate classification (germline): Likely benign. Review status: criteria provided, multiple submitters, no conflicts (2 of 4 stars). 2 submissions from 2 submitters: Likely benign (2). Last evaluated 2025-12-23.

Allele frequency attached by ClinVar (database versions not stated): TOPMed below 0.00001; gnomAD 0.00002; gnomAD exomes 0.00005; ExAC 0.00008.
gnomAD v4.1: 74 of 1,613,874 alleles (0.0046%); highest among the groups gnomAD compares: South Asian, 0.057%; 2 homozygotes.

Submissions (2):

Labcorp Genetics (formerly Invitae), Labcorp
Classification: Likely benign. Last evaluated: 2025-12-23. Review status: criteria provided, single submitter. Criteria: Invitae Variant Classification Sherloc (09022015). Collection method: clinical testing. Allele origin: germline.

Mayo Clinic Laboratories, Mayo Clinic
Classification: Likely benign. Last evaluated: 2025-11-26. Review status: criteria provided, single submitter. Criteria: ACMG Guidelines, 2015. Collection method: clinical testing. Allele origin: germline. Observed: 1 variant allele.
Comment: BP4_strong